The following is an entry in ClinVar:

ClinVar aggregate classification (germline): Likely benign (1 of 4 stars; one submission).

gnomAD v4.1: 2,087 of 1,069,946 alleles (0.2%); highest among the groups gnomAD compares: African/African-American, 2.9%; 38 homozygotes.

Submission:

GeneDx
Classification: Likely benign. Last evaluated: 2019-03-29. Review status: criteria provided, single submitter. Criteria: GeneDx Variant Classification Process June 2021. Collection method: clinical testing. Allele origin: germline. Affected: yes.
Comment: See Variant Classification Assertion Criteria.

NM_006208.3(ENPP1):c.2445-80A>C

Gene: ENPP1 (ectonucleotide pyrophosphatase/phosphodiesterase 1; plus strand). Cytogenetic location: 6q23.2.
Variant type: single nucleotide variant.
Coding change: c.2445-80A>C on transcript NM_006208.3 (MANE Select); 80 bases into the intron before coding-DNA position 2445, A replaced by C.
Molecular consequence: intron variant.
Genome position (GRCh38, 1-based): chr6:131,886,482, A>C. VCF-style: chr6-131886482-A-C. GRCh37 (hg19) VCF-style: chr6-132207622-A-C.
Identifiers: ClinVar variation 4813929 (VCV004813929.1).